The following is an entry in ClinVar:

NM_001844.5(COL2A1):c.4092C>T (p.Asp1364=)

Gene: COL2A1 (collagen type II alpha 1 chain; minus strand). Cytogenetic location: 12q13.11.
Variant type: single nucleotide variant.
Coding change: c.4092C>T on transcript NM_001844.5 (MANE Select); coding-DNA position 4092, C replaced by T.
Protein change: p.Asp1364=; no amino-acid change (aspartic acid 1364 retained).
Molecular consequence: synonymous variant.
Genome position (GRCh38, 1-based): chr12:47,974,314, G>A on the plus strand (C>T on the coding strand, the complement: COL2A1 is on the minus strand). VCF-style: chr12-47974314-G-A. GRCh37 (hg19) VCF-style: chr12-48368097-G-A.
Other names: c.3885C>T, p.Asp1295= (NM_033150.3); c.4092C>T (NM_001844.4).
Identifiers: ClinVar variation 2961009 (VCV002961009.5), dbSNP rs766131966, ClinGen allele CA479450269.
Genomic context (GRCh38, chr12:47,974,314, plus strand): 5'-TTCCGTGGACAGCAGGCGTAGGAAGGTCATCTGGACGTTGGCAGTGTTGGGAGCCAGATT[G>A]TCATCTCCATAGCTGAACTGTTGGGGCAGAGAGCGGCAGTGTGAGGCCTGGGAGCTGGCA-3'
Protein context (NP_001835.3, residues 1354-1374): NGGFHFSYGD[Asp1364=]NLAPNTANVQ

ClinVar aggregate classification (germline): Conflicting classifications of pathogenicity. Review status: criteria provided, conflicting classifications (1 of 4 stars). 2 submissions from 2 submitters: Uncertain significance (1); Likely benign (1). Last evaluated 2026-06-18.

Allele frequency attached by ClinVar (database versions not stated): TOPMed 0.00001.
gnomAD v4.1: 4 of 1,614,058 alleles (0.00025%); highest among the groups gnomAD compares: Non-Finnish European, 0.00034%; no homozygotes.

Submissions (2):

GeneDx
Classification: Uncertain significance. Last evaluated: 2026-06-18. Review status: criteria provided, single submitter. Criteria: GeneDx Variant Classification Process June 2021. Collection method: clinical testing. Allele origin: germline.
Comment: Has not been previously published as pathogenic or benign to our knowledge; Not observed at significant frequency in large population cohorts (gnomAD); In silico analysis suggests that this variant does not alter splicing

Labcorp Genetics (formerly Invitae), Labcorp
Classification: Likely benign. Last evaluated: 2023-08-23. Review status: criteria provided, single submitter. Criteria: Invitae Variant Classification Sherloc (09022015). Collection method: clinical testing. Allele origin: germline.